The following is an entry in ClinVar:

NM_002618.4(PEX13):c.378C>T (p.Ser126=)

Gene: PEX13 (peroxisomal biogenesis factor 13; plus strand). Cytogenetic location: 2p15.
Variant type: single nucleotide variant.
Coding change: c.378C>T on transcript NM_002618.4 (MANE Select); coding-DNA position 378, C replaced by T.
Protein change: p.Ser126=; no amino-acid change (serine 126 retained).
Molecular consequence: synonymous variant.
Genome position (GRCh38, 1-based): chr2:61,031,704, C>T. VCF-style: chr2-61031704-C-T. GRCh37 (hg19) VCF-style: chr2-61258839-C-T.
Other names: c.378C>T (NM_002618.3).
Identifiers: ClinVar variation 1141667 (VCV001141667.10), dbSNP rs939500739, ClinGen allele CA48342217.

ClinVar aggregate classification (germline): Likely benign. Review status: criteria provided, multiple submitters, no conflicts (2 of 4 stars). 2 submissions from 2 submitters: Likely benign (2). Last evaluated 2026-01-27.

Conditions:
PEX13-related disorder. Also called: PEX13-related disorders; PEX13-related condition.
Peroxisome biogenesis disorder 11A (Zellweger). Also called: Peroxisome biogenesis disorder 11A. Identifiers: Orphanet 912, MedGen C3554000, MONDO:0013949, OMIM 614883.

Allele frequency attached by ClinVar (database versions not stated): gnomAD exomes below 0.00001 and 0.00001; gnomAD 0.00002; TOPMed 0.00003.
gnomAD v4.1: 9 of 1,614,076 alleles (0.00056%); highest among the groups gnomAD compares: Admixed American, 0.0067%; no homozygotes.

Submissions (2):

PreventionGenetics, part of Exact Sciences
Classification: Likely benign for PEX13-related condition. Last evaluated: 2026-01-27. Review status: criteria provided, single submitter. Criteria: ACMG Guidelines, 2015. Collection method: clinical testing. Allele origin: germline.
Comment: This variant is classified as likely benign based on ACMG/AMP sequence variant interpretation guidelines (Richards et al. 2015 PMID: 25741868, with internal and published modifications).

Labcorp Genetics (formerly Invitae), Labcorp
Classification: Likely benign for Peroxisome biogenesis disorder 11A (Zellweger). Last evaluated: 2024-07-17. Review status: criteria provided, single submitter. Criteria: Invitae Variant Classification Sherloc (09022015). Collection method: clinical testing. Allele origin: germline.